The following is an entry in ClinVar:

ClinVar aggregate classification (germline): Likely benign. Review status: criteria provided, single submitter (1 of 4 stars). 2 submissions from 2 submitters: Likely benign (1). 1 of the submissions does not count toward it. Last evaluated 2025-07-05.

Conditions:
TALDO1-related disorder. Also called: TALDO1-related condition.

Allele frequency attached by ClinVar (database versions not stated): gnomAD exomes 0.00002; ExAC 0.00008; TOPMed 0.00023; gnomAD 0.00024; ESP Exome Variant Server 0.00031.
gnomAD v4.1: 76 of 1,611,730 alleles (0.0047%); highest among the groups gnomAD compares: African/African-American, 0.087%; no homozygotes.

Submissions (2):

Labcorp Genetics (formerly Invitae), Labcorp
Classification: Likely benign. Last evaluated: 2025-07-05. Review status: criteria provided, single submitter. Criteria: Invitae Variant Classification Sherloc (09022015). Collection method: clinical testing. Allele origin: germline.

PreventionGenetics, part of Exact Sciences
Classification: Likely benign for TALDO1-related condition. Last evaluated: 2021-05-26. Review status: no assertion criteria provided. Collection method: clinical testing. Allele origin: germline. Not counted in ClinVar's aggregate classification.
Comment: This variant is classified as likely benign based on ACMG/AMP sequence variant interpretation guidelines (Richards et al. 2015 PMID: 25741868, with internal and published modifications).

NM_006755.2(TALDO1):c.221+7G>C

Gene: TALDO1 (transaldolase 1; plus strand). Cytogenetic location: 11p15.5.
Variant type: single nucleotide variant.
Coding change: c.221+7G>C on transcript NM_006755.2 (MANE Select); 7 bases into the intron after coding-DNA position 221, G replaced by C.
Molecular consequence: intron variant.
Genome position (GRCh38, 1-based): chr11:756,009, G>C. VCF-style: chr11-756009-G-C. GRCh37 (hg19) VCF-style: chr11-756009-G-C.
Other names: c.221+7G>C (NM_006755.1).
Identifiers: ClinVar variation 2156758 (VCV002156758.6), dbSNP rs372668062, ClinGen allele CA5788045.